The following is an entry in ClinVar:

NM_014822.4(SEC24D):c.1091A>G (p.Asn364Ser)

Gene: SEC24D (SEC24 homolog D, COPII component; minus strand). Cytogenetic location: 4q26.
Variant type: single nucleotide variant.
Coding change: c.1091A>G on transcript NM_014822.4 (MANE Select); coding-DNA position 1091, A replaced by G.
Protein change: p.Asn364Ser; replaces asparagine 364 with serine.
Molecular consequence: missense variant.
Genome position (GRCh38, 1-based): chr4:118,768,262, T>C on the plus strand (A>G on the coding strand, the complement: SEC24D is on the minus strand). VCF-style: chr4-118768262-T-C. GRCh37 (hg19) VCF-style: chr4-119689417-T-C.
Other names: c.1094A>G, p.Asn365Ser (NM_001318066.2); short protein forms N364S, N365S.
Identifiers: ClinVar variation 1560934 (VCV001560934.9), dbSNP rs189735385, ClinGen allele CA3057347.

ClinVar aggregate classification (germline): Conflicting classifications of pathogenicity. Review status: criteria provided, conflicting classifications (1 of 4 stars). 2 submissions from 2 submitters: Uncertain significance (1); Likely benign (1). Last evaluated 2026-01-20.

Allele frequency attached by ClinVar (database versions not stated): gnomAD 0.00005 and 0.00009; gnomAD exomes 0.00006 and 0.00017; TOPMed 0.00007; ExAC 0.00015; 1000 Genomes Project 30x 0.00031; 1000 Genomes Project 0.00040.
gnomAD v4.1: 118 of 1,613,944 alleles (0.0073%); highest among the groups gnomAD compares: East Asian, 0.23%; no homozygotes.

Submissions (2):

Labcorp Genetics (formerly Invitae), Labcorp
Classification: Likely benign. Last evaluated: 2026-01-20. Review status: criteria provided, single submitter. Criteria: Invitae Variant Classification Sherloc (09022015). Collection method: clinical testing. Allele origin: germline.

GeneDx
Classification: Uncertain significance. Last evaluated: 2022-06-28. Review status: criteria provided, single submitter. Criteria: GeneDx Variant Classification Process June 2021. Collection method: clinical testing. Allele origin: germline. Affected: yes.
Comment: In silico analysis supports that this missense variant has a deleterious effect on protein structure/function; Has not been previously published as pathogenic or benign to our knowledge